The following is an entry in ClinVar:

NM_000388.4(CASR):c.1212C>T (p.Val404=)

Gene: CASR (calcium sensing receptor; plus strand). Cytogenetic location: 3q21.1.
Variant type: single nucleotide variant.
Coding change: c.1212C>T on transcript NM_000388.4 (MANE Select); coding-DNA position 1212, C replaced by T.
Protein change: p.Val404=; no amino-acid change (valine 404 retained).
Molecular consequence: synonymous variant.
Genome position (GRCh38, 1-based): chr3:122,262,247, C>T. VCF-style: chr3-122262247-C-T. GRCh37 (hg19) VCF-style: chr3-121981094-C-T.
Other names: c.1212C>T, p.Val404= (NM_001178065.2).
Identifiers: ClinVar variation 1129430 (VCV001129430.12), dbSNP rs967661303, ClinGen allele CA82739001.

ClinVar aggregate classification (germline): Likely benign. Review status: criteria provided, multiple submitters, no conflicts (2 of 4 stars). 3 submissions from 3 submitters: Likely benign (3). Last evaluated 2023-09-05.

Conditions:
Nephrolithiasis/nephrocalcinosis. Identifiers: MedGen CN580796.
Hypercalcemia. Also called: hypercalcaemia. Identifiers: MedGen C0020437, MONDO:0001566, HP:0003072.
Autosomal dominant hypocalcemia 1 (HYPOC1). Also called: HYPOCALCEMIA, FAMILIAL. Identifiers: MedGen C3715128, MONDO:0011013, OMIM 601198.
Familial hypocalciuric hypercalcemia (FHH). Also called: Familial benign hypercalcemia. Identifiers: Orphanet 405, MedGen C1809471, MONDO:0018458.

gnomAD v4.1: 13 of 1,614,140 alleles (0.00081%); highest among the groups gnomAD compares: South Asian, 0.0011%; no homozygotes.

Submissions (3):

Labcorp Genetics (formerly Invitae), Labcorp
Classification: Likely benign for Familial hypocalciuric hypercalcemia; Autosomal dominant hypocalcemia 1. Last evaluated: 2023-09-05. Review status: criteria provided, single submitter. Criteria: Invitae Variant Classification Sherloc (09022015). Collection method: clinical testing. Allele origin: germline.

Genetics and Molecular Pathology, SA Pathology
Classification: Likely benign for Hypercalcemia. Last evaluated: 2020-06-23. Review status: criteria provided, single submitter. Criteria: ACMG Guidelines, 2015. Collection method: clinical testing. Allele origin: germline. Affected: yes.
Comment: Synonymous variant not predicted to affect splicing (BP7).

Ambry Genetics
Classification: Likely benign for Nephrolithiasis/nephrocalcinosis. Last evaluated: 2019-09-26. Review status: criteria provided, single submitter. Criteria: Ambry Variant Classification Scheme 2023. Collection method: clinical testing. Allele origin: germline.